The following is an entry in ClinVar:

ClinVar aggregate classification (germline): Pathogenic (1 of 4 stars; one submission).

Conditions:
Primary ciliary dyskinesia. Also called: Ciliary dyskinesia. Identifiers: Orphanet 244, MedGen C0008780, MONDO:0016575, HP:0012265.

Submission:

Labcorp Genetics (formerly Invitae), Labcorp
Classification: Pathogenic for Primary ciliary dyskinesia. Last evaluated: 2023-03-20. Review status: criteria provided, single submitter. Criteria: Invitae Variant Classification Sherloc (09022015). Collection method: clinical testing. Allele origin: germline.
Comment: This sequence change affects a donor splice site in intron 12 of the DNAI1 gene. It is expected to disrupt RNA splicing. Variants that disrupt the donor or acceptor splice site typically lead to a loss of protein function (PMID: 16199547), and loss-of-function variants in DNAI1 are known to be pathogenic (PMID: 16858015, 29363216). This variant is not present in population databases (gnomAD no frequency). Disruption of this splice site has been observed in individual(s) with clinical features of primary ciliary dyskinesia (PMID: 33131162). In at least one individual the data is consistent with being in trans (on the opposite chromosome) from a pathogenic variant. Algorithms developed to predict the effect of sequence changes on RNA splicing suggest that this variant may disrupt the consensus splice site. For these reasons, this variant has been classified as Pathogenic.

Literature cited by the submitters: PubMed 16199547; PubMed 16858015; PubMed 29363216; PubMed 33131162.

NM_012144.4(DNAI1):c.1063+2T>C

Gene: DNAI1 (dynein axonemal intermediate chain 1; plus strand). Cytogenetic location: 9p13.3.
Variant type: single nucleotide variant.
Coding change: c.1063+2T>C on transcript NM_012144.4 (MANE Select); the canonical splice donor site of the intron after coding-DNA position 1063, T replaced by C.
Molecular consequence: splice donor variant.
Genome position (GRCh38, 1-based): chr9:34,501,183, T>C. VCF-style: chr9-34501183-T-C. GRCh37 (hg19) VCF-style: chr9-34501181-T-C.
Other names: c.1075+2T>C (NM_001281428.2).
Identifiers: ClinVar variation 2970422 (VCV002970422.3), dbSNP rs2492075310, ClinGen allele CA373254191.